The following is an entry in ClinVar:

ClinVar aggregate classification (germline): Uncertain significance (1 of 4 stars; one submission).

Conditions:
Nemaline myopathy 2 (NEM2). Also called: Nemaline myopathy 2, autosomal recessive. Identifiers: MedGen C1850569, MONDO:0009725, OMIM 256030.

Submission:

Labcorp Genetics (formerly Invitae), Labcorp
Classification: Uncertain significance for Nemaline myopathy 2. Last evaluated: 2022-06-01. Review status: criteria provided, single submitter. Criteria: Invitae Variant Classification Sherloc (09022015). Collection method: clinical testing. Allele origin: germline.
Comment: In summary, the available evidence is currently insufficient to determine the role of this variant in disease. Therefore, it has been classified as a Variant of Uncertain Significance. Algorithms developed to predict the effect of missense changes on protein structure and function are either unavailable or do not agree on the potential impact of this missense change (SIFT: "Deleterious"; PolyPhen-2: "Not Available"; Align-GVGD: "Class C0"). This variant has not been reported in the literature in individuals affected with NEB-related conditions. This variant is not present in population databases (gnomAD no frequency). This sequence change replaces tyrosine, which is neutral and polar, with asparagine, which is neutral and polar, at codon 8293 of the NEB protein (p.Tyr8293Asn).

NM_001164508.2(NEB):c.24772T>A (p.Tyr8258Asn)

Genes: NEB (nebulin; minus strand), RIF1 (replication timing regulatory factor 1; plus strand). Cytogenetic location: 2q23.3.
Variant type: single nucleotide variant.
Coding change: c.24772T>A on transcript NM_001164508.2 (MANE Select); coding-DNA position 24772, T replaced by A.
Protein change: p.Tyr8258Asn; replaces tyrosine 8258 with asparagine.
Molecular consequence: missense variant.
Genome position (GRCh38, 1-based): chr2:151,492,488, A>T on the plus strand (T>A on the coding strand, the complement: NEB is on the minus strand). VCF-style: chr2-151492488-A-T. GRCh37 (hg19) VCF-style: chr2-152349002-A-T.
Other names: c.24772T>A, p.Tyr8258Asn (NM_001164507.2); c.24877T>A, p.Tyr8293Asn (NM_001271208.2); c.19204T>A, p.Tyr6402Asn (NM_004543.5); short protein forms Y6402N, Y8293N, Y8258N.
Identifiers: ClinVar variation 2159225 (VCV002159225.4), dbSNP rs2551710720, ClinGen allele CA348774463.